The following is an entry in ClinVar:

NM_001374504.1(TMPRSS6):c.837-15_837-13delinsAGG

Gene: TMPRSS6 (transmembrane serine protease 6; minus strand). Cytogenetic location: 22q12.3.
Variant type: Indel.
Coding change: c.837-15_837-13delinsAGG on transcript NM_001374504.1 (MANE Select); 15 bases into the intron before coding-DNA position 837 through 13 bases into the intron before coding-DNA position 837, TTT replaced by AGG.
Molecular consequence: intron variant.
Genome position (GRCh38, 1-based): chr22:37,086,432-37,086,434, AAA replaced by CCT on the plus strand (TTT replaced by AGG on the coding strand, the reverse complement: TMPRSS6 is on the minus strand). VCF-style: chr22-37086432-AAA-CCT. GRCh37 (hg19) VCF-style: chr22-37482472-AAA-CCT.
Other names: c.837-15_837-13delinsAGG (NM_001289000.2, NM_001289001.2, NM_153609.4).
Identifiers: ClinVar variation 2996509 (VCV002996509.3), dbSNP rs2517768940, ClinGen allele CA2740094827.
Genomic context (GRCh38, chr22:37,086,432, plus strand): 5'-GACGCCAGAACCTCCACCACGGGCTCCTGGCGGCTGCAGCCGTACACCCTGGCAGAACAG[AAA>CCT]GGTGGCAAGGCTGGGCTGGGGTCTGGGAGGGGAGTGGCAGGGAGGGCGGCAGGCGGCTGC-3'

ClinVar aggregate classification (germline): Uncertain significance (1 of 4 stars; one submission).

Submission:

Labcorp Genetics (formerly Invitae), Labcorp
Classification: Uncertain significance. Last evaluated: 2024-01-10. Review status: criteria provided, single submitter. Criteria: Invitae Variant Classification Sherloc (09022015). Collection method: clinical testing. Allele origin: germline.
Comment: This sequence change falls in intron 7 of the TMPRSS6 gene. It does not directly change the encoded amino acid sequence of the TMPRSS6 protein. Information on the frequency of this variant in the gnomAD database is not available, as this variant may be reported differently in the database. This variant has not been reported in the literature in individuals affected with TMPRSS6-related conditions. Experimental studies and prediction algorithms are not available or were not evaluated, and the effect of this variant on mRNA splicing is currently unknown. In summary, the available evidence is currently insufficient to determine the role of this variant in disease. Therefore, it has been classified as a Variant of Uncertain Significance.